The following is an entry in ClinVar:

ClinVar aggregate classification (germline): Conflicting classifications of pathogenicity. Review status: criteria provided, conflicting classifications (1 of 4 stars). 2 submissions from 2 submitters: Likely pathogenic (1); Uncertain significance (1). Last evaluated 2025-11-09.

Conditions:
Juvenile polyposis syndrome (JPS). Identifiers: Orphanet 2929, MedGen C0345893, MONDO:0017380, OMIM 174900.
Hereditary cancer-predisposing syndrome. Also called: Hereditary Cancer Syndrome; Neoplastic Syndromes, Hereditary; Tumor predisposition; Hereditary neoplastic syndrome. Identifiers: Orphanet 140162, MedGen C0027672, MeSH D009386, MONDO:0015356.

Submissions (2):

Labcorp Genetics (formerly Invitae), Labcorp
Classification: Likely pathogenic for Juvenile polyposis syndrome. Last evaluated: 2025-11-09. Review status: criteria provided, single submitter. Criteria: Invitae Variant Classification Sherloc (09022015). Collection method: clinical testing. Allele origin: germline.
Comment: This sequence change affects codon 176 of the BMPR1A mRNA. It is a 'silent' change, meaning that it does not change the encoded amino acid sequence of the BMPR1A protein. RNA analysis indicates that this variant induces altered splicing and may result in an absent or altered protein product. This variant is not present in population databases (gnomAD no frequency). This variant has not been reported in the literature in individuals affected with BMPR1A-related conditions. ClinVar contains an entry for this variant (Variation ID: 630856). Studies have shown that this variant results in skipping of exon 7 , and produces a non-functional protein and/or introduces a premature termination codon (internal data). In summary, the currently available evidence indicates that the variant is pathogenic, but additional data are needed to prove that conclusively. Therefore, this variant has been classified as Likely Pathogenic.

Color Diagnostics, LLC DBA Color Health
Classification: Uncertain significance for Hereditary cancer-predisposing syndrome. Last evaluated: 2018-11-22. Review status: criteria provided, single submitter. Criteria: ACMG Guidelines, 2015. Collection method: clinical testing. Allele origin: germline.

NM_004329.3(BMPR1A):c.528C>T (p.Tyr176=)

Gene: BMPR1A (bone morphogenetic protein receptor type 1A; plus strand). Cytogenetic location: 10q23.2.
Variant type: single nucleotide variant.
Coding change: c.528C>T on transcript NM_004329.3 (MANE Select); coding-DNA position 528, C replaced by T.
Protein change: p.Tyr176=; no amino-acid change (tyrosine 176 retained).
Molecular consequence: synonymous variant.
Genome position (GRCh38, 1-based): chr10:86,900,124, C>T. VCF-style: chr10-86900124-C-T. GRCh37 (hg19) VCF-style: chr10-88659881-C-T.
Identifiers: ClinVar variation 630856 (VCV000630856.4), dbSNP rs770387084, ClinGen allele CA470307214.
Genomic context (GRCh38, chr10:86,900,124, plus strand): 5'-GCTCATTTCTATGGCTGTCTGCATAATTGCTATGATCATCTTCTCCAGCTGCTTTTGTTA[C>T]AAGTAAGAAGATATTTATTTTGAAGCAAAATATTTTGTCAAATATTAGATGTCAACCGCT-3'
Protein context (NP_004320.2, residues 166-186): AMIIFSSCFC[Tyr176=]KHYCKSISSR